The following is an entry in ClinVar:

ClinVar aggregate classification (germline): Pathogenic/Likely pathogenic. Review status: criteria provided, multiple submitters, no conflicts (2 of 4 stars). 2 submissions from 2 submitters: Pathogenic (1); Likely pathogenic (1). Last evaluated 2025-01-13.

Conditions:
Alpha-1-antitrypsin deficiency (A1ATD). Also called: AAT deficiency; A1AT deficiency; Alpha1-Antitrypsin Deficiency. Identifiers: Orphanet 60, MedGen C0221757, MONDO:0013282, OMIM 613490.

Allele frequency attached by ClinVar (database versions not stated): gnomAD exomes 0.00001.

Submissions (2):

Dasa
Classification: Likely pathogenic. Last evaluated: 2025-01-13. Review status: criteria provided, single submitter. Criteria: DASA Assertion Criteria. Collection method: clinical testing. Allele origin: germline.
Comment: NM_000295.5(SERPINA1):c.853C>T (p.Gln285*) is a nonsense variant in SERPINA1 predicted to introduce a premature termination codon and is predicted to result in an absent or altered protein product. Loss of function is an established disease mechanism for SERPINA1-associated disorders. Also, this variant is rare in population databases. Based on the currently available evidence, this variant is classified as likely pathogenic.

Labcorp Genetics (formerly Invitae), Labcorp
Classification: Pathogenic for Alpha-1-antitrypsin deficiency. Last evaluated: 2022-08-22. Review status: criteria provided, single submitter. Criteria: Invitae Variant Classification Sherloc (09022015). Collection method: clinical testing. Allele origin: germline.
Comment: For these reasons, this variant has been classified as Pathogenic. This variant has not been reported in the literature in individuals affected with SERPINA1-related conditions. This variant is present in population databases (no rsID available, gnomAD 0.009%). This sequence change creates a premature translational stop signal (p.Gln285*) in the SERPINA1 gene. It is expected to result in an absent or disrupted protein product. Loss-of-function variants in SERPINA1 are known to be pathogenic (PMID: 25425243).

Literature cited by the submitters: PubMed 25425243 (cited by Labcorp Genetics (formerly Invitae), Labcorp).

NM_000295.5(SERPINA1):c.853C>T (p.Gln285Ter)

Gene: SERPINA1 (serpin family A member 1; minus strand). Cytogenetic location: 14q32.13.
Variant type: single nucleotide variant.
Coding change: c.853C>T on transcript NM_000295.5 (MANE Select); coding-DNA position 853, C replaced by T.
Protein change: p.Gln285Ter; replaces glutamine 285 with a stop codon.
Molecular consequence: nonsense.
Genome position (GRCh38, 1-based): chr14:94,380,935, G>A on the plus strand (C>T on the coding strand, the complement: SERPINA1 is on the minus strand). VCF-style: chr14-94380935-G-A. GRCh37 (hg19) VCF-style: chr14-94847272-G-A.
Other names: c.853C>T, p.Gln285Ter (NM_001002235.3, NM_001002236.3, NM_001127700.2 and 7 more transcripts); short protein forms Q285*.
Identifiers: ClinVar variation 2174665 (VCV002174665.6), dbSNP rs1480528329, ClinGen allele CA390848436.
Genomic context (GRCh38, chr14:94,380,935, plus strand): 5'-TGTCTTCATTTTCCAGGAACTTGGTGATGATATCGTGGGTGAGTTCATTTTCCAGGTGCT[G>A]TAGTTTCCCCTCATCAGGCAGGAAGAAGATGGCGGTGGCATTGCCCAGGTATTTCATCAG-3'